The following is an entry in ClinVar:

ClinVar aggregate classification (germline): Uncertain significance (1 of 4 stars; one submission).

Conditions:
HOXD13-related disorder. Also called: HOXD13-related condition; HOXD13-related disorders.

Submission:

PreventionGenetics, part of Exact Sciences
Classification: Uncertain significance for HOXD13-related condition. Last evaluated: 2025-08-16. Review status: criteria provided, single submitter. Criteria: ACMG Guidelines, 2015. Collection method: clinical testing. Allele origin: germline.
Comment: The HOXD13 c.183_188dup6 variant is predicted to result in an in-frame duplication (p.Ala70_Ala71dup). To our knowledge, this variant has not been reported in the literature. This variant is reported in 0.027% of alleles in individuals of South Asian descent in gnomAD. At this time, the clinical significance of this variant is uncertain due to the absence of conclusive functional and genetic evidence.

NM_000523.4(HOXD13):c.183_188dup (p.Ala71_Ser72insAlaAla)

Gene: HOXD13 (homeobox D13; plus strand). Cytogenetic location: 2q31.1.
Variant type: Duplication.
Coding change: c.183_188dup on transcript NM_000523.4 (MANE Select); coding-DNA positions 183 to 188, 6 bases duplicated (AGCGGC; older notation c.183_188dupAGCGGC).
Protein change: p.Ala71_Ser72insAlaAla.
Molecular consequence: inframe insertion.
Genome position (GRCh38, 1-based): chr2:176,093,073-176,093,078, AGCGGC duplicated; duplicating any 6 consecutive bases within chr2:176,093,068-176,093,078 gives the same sequence; the c. name uses the placement nearest the transcript's 3' end. VCF-style (leftmost placement, unchanged base first): chr2-176093067-G-GGCGGCA. GRCh37 (hg19) VCF-style: chr2-176957795-G-GGCGGCA.
Identifiers: ClinVar variation 4982954 (VCV004982954.1).